The following is an entry in ClinVar:

NM_004341.5(CAD):c.473del (p.Leu158fs)

Gene: CAD (carbamoyl-phosphate synthetase 2, aspartate transcarbamylase, and dihydroorotase; plus strand). Cytogenetic location: 2p23.3.
Variant type: Deletion.
Coding change: c.473del on transcript NM_004341.5 (MANE Select); coding-DNA position 473, one base deleted (T; older notation c.473delT).
Protein change: p.Leu158fs; shifts the reading frame from leucine 158.
Molecular consequence: frameshift variant.
Genome position (GRCh38, 1-based): chr2:27,222,314, T deleted. VCF-style (leftmost placement, unchanged base first): chr2-27222313-CT-C. GRCh37 (hg19) VCF-style: chr2-27445181-CT-C.
Other names: c.473del, p.Leu158fs (NM_001306079.2); short protein forms L158fs.
Identifiers: ClinVar variation 1453934 (VCV001453934.6), dbSNP rs1675212022, ClinGen allele CA1028658498.

ClinVar aggregate classification (germline): Pathogenic (1 of 4 stars; one submission).

Allele frequency attached by ClinVar (database versions not stated): gnomAD 0.00001.

Submission:

Labcorp Genetics (formerly Invitae), Labcorp
Classification: Pathogenic. Last evaluated: 2021-10-20. Review status: criteria provided, single submitter. Criteria: Invitae Variant Classification Sherloc (09022015). Collection method: clinical testing. Allele origin: germline.
Comment: This sequence change creates a premature translational stop signal (p.Leu158Argfs*52) in the CAD gene. It is expected to result in an absent or disrupted protein product. Loss-of-function variants in CAD are known to be pathogenic (PMID: 28007989, 32117025, 32820246, 33497533). For these reasons, this variant has been classified as Pathogenic. This variant has not been reported in the literature in individuals affected with CAD-related conditions. This variant is not present in population databases (ExAC no frequency).

Literature cited by the submitters: PubMed 28007989; PubMed 32117025; PubMed 32820246; PubMed 33497533.